The following is an entry in ClinVar:

ClinVar aggregate classification (germline): Benign/Likely benign. Review status: criteria provided, multiple submitters, no conflicts (2 of 4 stars). 3 submissions from 3 submitters: Benign (1); Likely benign (2). Last evaluated 2026-02-01.

Allele frequency attached by ClinVar (database versions not stated): 1000 Genomes Project 30x 0.00094; TOPMed 0.00096; 1000 Genomes Project 0.00100; gnomAD 0.00111 and 0.00114; gnomAD exomes 0.00139 and 0.00144; ExAC 0.00190.
gnomAD v4.1: 2,175 of 1,548,150 alleles (0.14%); highest among the groups gnomAD compares: Middle Eastern, 0.54%; 6 homozygotes.

Submissions (3):

CeGaT Center for Human Genetics Tuebingen
Classification: Likely benign. Last evaluated: 2026-02-01. Review status: criteria provided, single submitter. Criteria: CeGaT Center For Human Genetics Tuebingen Variant Classification Criteria Version 2. Collection method: clinical testing. Allele origin: germline. Affected: yes. Observed: 11 variant alleles.
Comment: WDR81: BP4, BP7

Blueprint Genetics
Classification: Likely benign. Last evaluated: 2024-10-03. Review status: criteria provided, single submitter. Criteria: ACMG Guidelines, 2015. Collection method: clinical testing. Allele origin: germline.

Labcorp Genetics (formerly Invitae), Labcorp
Classification: Benign. Last evaluated: 2019-12-31. Review status: criteria provided, single submitter. Criteria: Invitae Variant Classification Sherloc (09022015). Collection method: clinical testing. Allele origin: germline.

NM_001163809.2(WDR81):c.2136G>A (p.Gly712=)

Gene: WDR81 (WD repeat domain 81; plus strand). Cytogenetic location: 17p13.3.
Variant type: single nucleotide variant.
Coding change: c.2136G>A on transcript NM_001163809.2 (MANE Select); coding-DNA position 2136, G replaced by A.
Protein change: p.Gly712=; no amino-acid change (glycine 712 retained).
Molecular consequence: synonymous variant. On other transcripts: intron variant (3).
Genome position (GRCh38, 1-based): chr17:1,727,095, G>A. VCF-style: chr17-1727095-G-A. GRCh37 (hg19) VCF-style: chr17-1630389-G-A.
Other names: c.-123-895G>A (NM_152348.4); c.59-3285G>A (NM_001163673.2); c.-15+2309G>A (NM_001163811.2).
Identifiers: ClinVar variation 734274 (VCV000734274.47), dbSNP rs543853235, ClinGen allele CA8273105.